The following is an entry in ClinVar:

ClinVar aggregate classification (germline): Uncertain significance (1 of 4 stars; one submission).

Conditions:
Cardiovascular phenotype. Identifiers: MedGen CN230736.

Submission:

Ambry Genetics
Classification: Uncertain significance for Cardiovascular phenotype. Last evaluated: 2022-02-20. Review status: criteria provided, single submitter. Criteria: Ambry Variant Classification Scheme 2023. Collection method: clinical testing. Allele origin: germline.
Comment: The p.L3222P variant (also known as c.9665T>C), located in coding exon 27 of the TNXB gene, results from a T to C substitution at nucleotide position 9665. The leucine at codon 3222 is replaced by proline, an amino acid with similar properties. This amino acid position is conserved. In addition, the in silico prediction for this alteration is inconclusive. Since supporting evidence is limited at this time, the clinical significance of this alteration remains unclear.

NM_001365276.2(TNXB):c.9671T>C (p.Leu3224Pro)

Gene: TNXB (tenascin XB; minus strand). Cytogenetic location: 6p21.33.
Variant type: single nucleotide variant.
Coding change: c.9671T>C on transcript NM_001365276.2 (MANE Select); coding-DNA position 9671, T replaced by C.
Protein change: p.Leu3224Pro; replaces leucine 3224 with proline.
Molecular consequence: missense variant.
Genome position (GRCh38, 1-based): chr6:32,049,356, A>G on the plus strand (T>C on the coding strand, the complement: TNXB is on the minus strand). VCF-style: chr6-32049356-A-G. GRCh37 (hg19) VCF-style: chr6-32017133-A-G.
Other names: c.9665T>C, p.Leu3222Pro (NM_019105.8); short protein forms L3222P, L3224P.
Identifiers: ClinVar variation 1767709 (VCV001767709.2), dbSNP rs2483423041, ClinGen allele CA363538217.
Genomic context (GRCh38, chr6:32,049,356, plus strand): 5'-CCCACGCGCTGCCCCTCGTGGAGGCCGTACAGATGCATCTTGTATTTGCGCCCGGGCTCC[A>G]GGCCCCCCACGGTGACCTCGCTCTCCTCGCCCCTGACACGCACCACCTGGGGCTGCCCGT-3'
Protein context (NP_001352205.1, residues 3214-3234): GEESEVTVGG[Leu3224Pro]EPGRKYKMHL